The following is an entry in ClinVar:

ClinVar aggregate classification (germline): Uncertain significance (1 of 4 stars; one submission).

Submission:

GeneDx
Classification: Uncertain significance. Last evaluated: 2019-12-26. Review status: criteria provided, single submitter. Criteria: GeneDx Variant Classification Process June 2021. Collection method: clinical testing. Allele origin: germline. Affected: yes.
Comment: Not observed in large population cohorts (Lek et al., 2016); Nonsense variant predicted to result in protein truncation, although loss-of-function variants have not been reported downstream of this position in the protein; Has not been previously published as pathogenic or benign to our knowledge

NM_012479.4(YWHAG):c.648C>A (p.Tyr216Ter)

Gene: YWHAG (tyrosine 3-monooxygenase/tryptophan 5-monooxygenase activation protein gamma; minus strand). Cytogenetic location: 7q11.23.
Variant type: single nucleotide variant.
Coding change: c.648C>A on transcript NM_012479.4 (MANE Select); coding-DNA position 648, C replaced by A.
Protein change: p.Tyr216Ter; replaces tyrosine 216 with a stop codon.
Molecular consequence: nonsense.
Genome position (GRCh38, 1-based): chr7:76,329,673, G>T on the plus strand (C>A on the coding strand, the complement: YWHAG is on the minus strand). VCF-style: chr7-76329673-G-T. GRCh37 (hg19) VCF-style: chr7-75958990-G-T.
Other names: short protein forms Y216*.
Identifiers: ClinVar variation 1310610 (VCV001310610.2), dbSNP rs2115587495, ClinGen allele CA367776164.